The following is an entry in ClinVar:

NM_205850.3(SLC24A5):c.948_952del (p.Leu317fs)

Genes: MYEF2 (myelin expression factor 2; minus strand), SLC24A5 (solute carrier family 24 member 5; plus strand). Cytogenetic location: 15q21.1.
Variant type: Microsatellite.
Coding change: c.948_952del on transcript NM_205850.3 (MANE Select); coding-DNA positions 948 to 952, 5 bases deleted (ATTAC; older notation c.948_952delATTAC).
Protein change: p.Leu317fs; shifts the reading frame from leucine 317.
Molecular consequence: frameshift variant. On other transcripts: 3 prime UTR variant (2).
Genome position (GRCh38, 1-based): chr15:48,139,045-48,139,049, ATTAC deleted; deleting any 5 consecutive bases within chr15:48,139,040-48,139,049 gives the same sequence; the c. name uses the placement nearest the transcript's 3' end. VCF-style (leftmost placement, unchanged base first): chr15-48139039-TATTAC-T. GRCh37 (hg19) VCF-style: chr15-48431236-TATTAC-T.
Other names: c.*3859GTAAT[1] (NM_001301210.2, NM_016132.5); short protein forms L317fs.
Identifiers: ClinVar variation 2796282 (VCV002796282.3), dbSNP rs2504627688, ClinGen allele CA2628306221.

ClinVar aggregate classification (germline): Pathogenic (1 of 4 stars; one submission).

Submission:

Labcorp Genetics (formerly Invitae), Labcorp
Classification: Pathogenic. Last evaluated: 2023-06-13. Review status: criteria provided, single submitter. Criteria: Invitae Variant Classification Sherloc (09022015). Collection method: clinical testing. Allele origin: germline.
Comment: This sequence change creates a premature translational stop signal (p.Leu317Phefs*8) in the SLC24A5 gene. It is expected to result in an absent or disrupted protein product. Loss-of-function variants in SLC24A5 are known to be pathogenic (PMID: 23985994, 26686029). This variant is not present in population databases (gnomAD no frequency). For these reasons, this variant has been classified as Pathogenic. This variant has not been reported in the literature in individuals affected with SLC24A5-related conditions.

Literature cited by the submitters: PubMed 23985994; PubMed 26686029.